The following is an entry in ClinVar:

NM_000416.3(IFNGR1):c.1043A>C (p.Glu348Ala)

Gene: IFNGR1 (interferon gamma receptor 1; minus strand). Cytogenetic location: 6q23.3.
Variant type: single nucleotide variant.
Coding change: c.1043A>C on transcript NM_000416.3 (MANE Select); coding-DNA position 1043, A replaced by C.
Protein change: p.Glu348Ala; replaces glutamic acid 348 with alanine.
Molecular consequence: missense variant.
Genome position (GRCh38, 1-based): chr6:137,198,458, T>G on the plus strand (A>C on the coding strand, the complement: IFNGR1 is on the minus strand). VCF-style: chr6-137198458-T-G. GRCh37 (hg19) VCF-style: chr6-137519595-T-G.
Other names: c.1013A>C, p.Glu338Ala (NM_001363526.1); c.920A>C, p.Glu307Ala (NM_001363527.1); short protein forms E338A, E348A, E307A.
Identifiers: ClinVar variation 960443 (VCV000960443.11), dbSNP rs139083589, ClinGen allele CA4018825.

ClinVar aggregate classification (germline): Uncertain significance (1 of 4 stars; one submission).

Conditions:
Disseminated atypical mycobacterial infection. Identifiers: MedGen C0694566.

Allele frequency attached by ClinVar (database versions not stated): gnomAD exomes below 0.00001 and 0.00001; ExAC 0.00001; gnomAD 0.00006; TOPMed 0.00006; ESP Exome Variant Server 0.00023.
gnomAD v4.1: 16 of 1,614,062 alleles (0.00099%); highest among the groups gnomAD compares: African/African-American, 0.02%; no homozygotes.

Submission:

Labcorp Genetics (formerly Invitae), Labcorp
Classification: Uncertain significance for Disseminated atypical mycobacterial infection. Last evaluated: 2022-11-16. Review status: criteria provided, single submitter. Criteria: Invitae Variant Classification Sherloc (09022015). Collection method: clinical testing. Allele origin: germline.
Comment: Advanced modeling of protein sequence and biophysical properties (such as structural, functional, and spatial information, amino acid conservation, physicochemical variation, residue mobility, and thermodynamic stability) performed at Invitae indicates that this missense variant is not expected to disrupt IFNGR1 protein function. In summary, the available evidence is currently insufficient to determine the role of this variant in disease. Therefore, it has been classified as a Variant of Uncertain Significance. This variant has not been reported in the literature in individuals affected with IFNGR1-related conditions. This sequence change replaces glutamic acid, which is acidic and polar, with alanine, which is neutral and non-polar, at codon 348 of the IFNGR1 protein (p.Glu348Ala). This variant is present in population databases (rs139083589, gnomAD 0.02%). ClinVar contains an entry for this variant (Variation ID: 960443).